The following is an entry in ClinVar:

NM_001349253.2(SCN11A):c.4014dup (p.Leu1339fs)

Gene: SCN11A (sodium voltage-gated channel alpha subunit 11; minus strand). Cytogenetic location: 3p22.2.
Variant type: Duplication.
Coding change: c.4014dup on transcript NM_001349253.2 (MANE Select); coding-DNA position 4014, one base duplicated (A; older notation c.4014dupA).
Protein change: p.Leu1339fs; shifts the reading frame from leucine 1339.
Molecular consequence: frameshift variant.
Genome position (GRCh38, 1-based): chr3:38,863,237, T duplicated on the plus strand (A on the coding strand, the reverse complement: SCN11A is on the minus strand); the first of 6 consecutive T bases (chr3:38,863,237-38,863,242); duplicating any one gives the same sequence. VCF-style (leftmost placement, unchanged base first): chr3-38863236-A-AT. GRCh37 (hg19) VCF-style: chr3-38904727-A-AT.
Other names: c.4014dup, p.Leu1339fs (NM_014139.3); short protein forms L1339fs.
Identifiers: ClinVar variation 966876 (VCV000966876.6), dbSNP rs1016939517, ClinGen allele CA72972919.

ClinVar aggregate classification (germline): Uncertain significance (1 of 4 stars; one submission).

Conditions:
Hereditary sensory and autonomic neuropathy type 7. Also called: HSAN VII; Neuropathy, hereditary sensory and autonomic, type VII. Identifiers: Orphanet 391397, MedGen C3809882, MONDO:0014244, OMIM 615548.
Familial episodic pain syndrome with predominantly lower limb involvement. Also called: Episodic pain syndrome, familial, 3. Identifiers: Orphanet 391384, Orphanet 391392, MedGen C3809899, MONDO:0014247, OMIM 615552.

Submission:

Labcorp Genetics (formerly Invitae), Labcorp
Classification: Uncertain significance for Familial episodic pain syndrome with predominantly lower limb involvement; Hereditary sensory and autonomic neuropathy type 7. Last evaluated: 2019-10-19. Review status: criteria provided, single submitter. Criteria: Invitae Variant Classification Sherloc (09022015). Collection method: clinical testing. Allele origin: germline.
Comment: In summary, the available evidence is currently insufficient to determine the role of this variant in disease. Therefore, it has been classified as a Variant of Uncertain Significance. The current clinical and genetic evidence is not sufficient to establish whether loss-of-function variants in SCN11A cause disease. This variant has not been reported in the literature in individuals with SCN11A-related conditions. This variant is not present in population databases (ExAC no frequency). This sequence change creates a premature translational stop signal (p.Leu1339Ilefs*31) in the SCN11A gene. It is expected to result in an absent or disrupted protein product.